The following is an entry in ClinVar:

ClinVar aggregate classification (germline): Benign/Likely benign. Review status: criteria provided, multiple submitters, no conflicts (2 of 4 stars). 4 submissions from 4 submitters: Benign (1); Likely benign (3). Last evaluated 2025-12-21.

Conditions:
EGFR-related lung cancer (EGFR). Identifiers: MedGen CN130014.
Lung cancer. Also called: Malignant tumor of lung; Lung cancer, somatic. Identifiers: MedGen C0242379, MONDO:0008903, OMIM 211980.
Hereditary cancer-predisposing syndrome. Also called: Neoplastic Syndromes, Hereditary; Tumor predisposition; Hereditary neoplastic syndrome; Hereditary Cancer Syndrome. Identifiers: Orphanet 140162, MedGen C0027672, MeSH D009386, MONDO:0015356.

Allele frequency attached by ClinVar (database versions not stated): gnomAD 0.00001 and 0.00002; ESP Exome Variant Server 0.00008.
gnomAD v4.1: 60 of 1,614,198 alleles (0.0037%); highest among the groups gnomAD compares: Non-Finnish European, 0.0049%; no homozygotes.

Submissions (4):

Labcorp Genetics (formerly Invitae), Labcorp
Classification: Likely benign for EGFR-related lung cancer. Last evaluated: 2025-12-21. Review status: criteria provided, single submitter. Criteria: Invitae Variant Classification Sherloc (09022015). Collection method: clinical testing. Allele origin: germline.

Myriad Genetics, Inc.
Classification: Benign for Lung cancer. Last evaluated: 2024-10-16. Review status: criteria provided, single submitter. Criteria: Myriad Autosomal Dominant, Autosomal Recessive and X-Linked Classification Criteria (2023). Collection method: clinical testing. Allele origin: unknown.
Comment: This variant is considered benign. This variant is a silent/synonymous amino acid change and it is not expected to impact splicing.

CeGaT Center for Human Genetics Tuebingen
Classification: Likely benign. Last evaluated: 2024-03-01. Review status: criteria provided, single submitter. Criteria: CeGaT Center For Human Genetics Tuebingen Variant Classification Criteria Version 2. Collection method: clinical testing. Allele origin: germline. Affected: yes. Observed: 1 variant allele.
Comment: EGFR: BP4, BP7

Ambry Genetics
Classification: Likely benign for Hereditary cancer-predisposing syndrome. Last evaluated: 2024-02-27. Review status: criteria provided, single submitter. Criteria: Ambry Variant Classification Scheme 2023. Collection method: clinical testing. Allele origin: germline.

NM_005228.5(EGFR):c.2463C>T (p.Ile821=)

Genes: EGFR (epidermal growth factor receptor; plus strand), EGFR-AS1 (EGFR antisense RNA 1; minus strand). Cytogenetic location: 7p11.2.
Variant type: single nucleotide variant.
Coding change: c.2463C>T on transcript NM_005228.5 (MANE Select); coding-DNA position 2463, C replaced by T.
Protein change: p.Ile821=; no amino-acid change (isoleucine 821 retained).
Molecular consequence: synonymous variant. On other transcripts: non-coding transcript variant (1).
Genome position (GRCh38, 1-based): chr7:55,181,472, C>T. VCF-style: chr7-55181472-C-T. GRCh37 (hg19) VCF-style: chr7-55249165-C-T.
Other names: c.2463C>T (NM_005228.3); c.2328C>T, p.Ile776= (NM_001346897.2, NM_001346899.2); c.2463C>T, p.Ile821= (NM_001346898.2); c.2304C>T, p.Ile768= (NM_001346900.2); c.1662C>T, p.Ile554= (NM_001346941.2).
Identifiers: ClinVar variation 1115945 (VCV001115945.32), dbSNP rs367859869, ClinGen allele CA4266074.
Genomic context (GRCh38, chr7:55,181,472, plus strand): 5'-TGTCCGGGAACACAAAGACAATATTGGCTCCCAGTACCTGCTCAACTGGTGTGTGCAGAT[C>T]GCAAAGGTAATCAGGGAAGGGAGATACGGGGAGGGGAGATAAGGAGCCAGGATCCTCACA-3'
Protein context (NP_005219.2, residues 811-831): SQYLLNWCVQ[Ile821=]AKGMNYLEDR